The following is an entry in ClinVar:

ClinVar aggregate classification (germline): Conflicting classifications of pathogenicity. Review status: criteria provided, conflicting classifications (1 of 4 stars). 3 submissions from 3 submitters: Likely pathogenic (1); Uncertain significance (2). Last evaluated 2024-11-26.

Conditions:
GNE-related disorder. Also called: GNE-related condition.
GNE myopathy (NM). Also called: NONAKA DISTAL MYOPATHY; INCLUSION BODY MYOPATHY, HEREDITARY, AUTOSOMAL RECESSIVE; INCLUSION BODY MYOPATHY 2, AUTOSOMAL RECESSIVE; MYOPATHY, DISTAL, WITH OR WITHOUT RIMMED VACUOLES; IBM 2; Inclusion body myopathy autosomal recessive. Identifiers: Orphanet 602, MedGen C1853926, MONDO:0011603, OMIM 605820.
Sialuria. Also called: SIALURIA, FRENCH TYPE; Sialic Acid Storage Disease. Identifiers: Orphanet 3166, MedGen C0342853, MONDO:0010028, OMIM 269921.

Allele frequency attached by ClinVar (database versions not stated): gnomAD 0.00001; gnomAD exomes 0.00001; TOPMed 0.00001.
gnomAD v4.1: 14 of 1,613,726 alleles (0.00087%); highest among the groups gnomAD compares: Non-Finnish European, 0.001%; no homozygotes.

Submissions (3):

PreventionGenetics, part of Exact Sciences
Classification: Likely pathogenic for GNE-related condition. Last evaluated: 2024-11-26. Review status: criteria provided, single submitter. Criteria: ACMG Guidelines, 2015. Collection method: clinical testing. Allele origin: germline.
Comment: The GNE c.331G>T variant is predicted to result in the amino acid substitution p.Asp111Tyr. This variant has been reported in the compound heterozygous state in an individual with GNE myopathy (Chaouch et al. 2014. PubMed ID: 24695763). This variant is reported in 0.00088% of alleles in individuals of European (non-Finnish) descent in gnomAD. At PreventionGenetics, this variant has been observed to segregate as expected in affected and unaffected individuals in a large family (internal data). This variant is interpreted as likely pathogenic.

Labcorp Genetics (formerly Invitae), Labcorp
Classification: Uncertain significance for Sialuria; GNE myopathy. Last evaluated: 2023-12-17. Review status: criteria provided, single submitter. Criteria: Invitae Variant Classification Sherloc (09022015). Collection method: clinical testing. Allele origin: germline.
Comment: This sequence change replaces aspartic acid, which is acidic and polar, with tyrosine, which is neutral and polar, at codon 111 of the GNE protein (p.Asp111Tyr). This variant is present in population databases (no rsID available, gnomAD 0.0009%). This missense change has been observed in individual(s) with distal leg myopathy (PMID: 24695763). ClinVar contains an entry for this variant (Variation ID: 2577343). Advanced modeling of protein sequence and biophysical properties (such as structural, functional, and spatial information, amino acid conservation, physicochemical variation, residue mobility, and thermodynamic stability) has been performed at Invitae for this missense variant, however the output from this modeling did not meet the statistical confidence thresholds required to predict the impact of this variant on GNE protein function. In summary, the available evidence is currently insufficient to determine the role of this variant in disease. Therefore, it has been classified as a Variant of Uncertain Significance.

Women's Health and Genetics/Laboratory Corporation of America, LabCorp
Classification: Uncertain significance. Last evaluated: 2023-07-19. Review status: criteria provided, single submitter. Criteria: LabCorp Variant Classification Summary - May 2015. Collection method: clinical testing. Allele origin: germline.
Comment: Variant summary: GNE c.331G>T (p.Asp111Tyr) results in a non-conservative amino acid change located in the UDP-N-acetylglucosamine 2-epimerase domain (IPR003331) of the encoded protein sequence. Four of five in-silico tools predict a damaging effect of the variant on protein function. The variant allele was found at a frequency of 4e-06 in 250522 control chromosomes (gnomAD). The available data on variant occurrences in the general population are insufficient to allow any conclusion about variant significance. c.331G>T has been reported in the literature in a compound heterozygous individual affected with Inclusion Body Myopathy 2, who carried a pathogenic variant in trans (Chaouch_2014). To our knowledge, no experimental evidence demonstrating an impact on protein function has been reported. The following publication has been ascertained in the context of this evaluation (PMID: 24695763). No submitters have cited clinical-significance assessments for this variant to ClinVar after 2014. Based on the evidence outlined above, the variant was classified as uncertain significance.

Literature cited by the submitters: PubMed 24695763 (cited by Labcorp Genetics (formerly Invitae), Labcorp and Women's Health and Genetics/Laboratory Corporation of America, LabCorp).

NM_005476.7(GNE):c.238G>T (p.Asp80Tyr)

Gene: GNE (glucosamine (UDP-N-acetyl)-2-epimerase/N-acetylmannosamine kinase; minus strand). Cytogenetic location: 9p13.3.
Variant type: single nucleotide variant.
Coding change: c.238G>T on transcript NM_005476.7 (MANE Select); coding-DNA position 238, G replaced by T.
Protein change: p.Asp80Tyr; replaces aspartic acid 80 with tyrosine.
Molecular consequence: missense variant.
Genome position (GRCh38, 1-based): chr9:36,246,409, C>A on the plus strand (G>T on the coding strand, the complement: GNE is on the minus strand). VCF-style: chr9-36246409-C-A. GRCh37 (hg19) VCF-style: chr9-36246406-C-A.
Other names: c.331G>T, p.Asp111Tyr (NM_001128227.3); c.238G>T, p.Asp80Tyr (NM_001190383.3, NM_001374797.1); c.61G>T, p.Asp21Tyr (NM_001190384.3, NM_001190388.2, NM_001374798.1); short protein forms D111Y, D21Y, D80Y.
Identifiers: ClinVar variation 2577343 (VCV002577343.5), dbSNP rs1438121702, ClinGen allele CA373419850.